The following is an entry in ClinVar:

NM_001040108.2(MLH3):c.3578A>G (p.Gln1193Arg)

Gene: MLH3 (mutL homolog 3; minus strand). Cytogenetic location: 14q24.3.
Variant type: single nucleotide variant.
Coding change: c.3578A>G on transcript NM_001040108.2 (MANE Select); coding-DNA position 3578, A replaced by G.
Protein change: p.Gln1193Arg; replaces glutamine 1193 with arginine.
Molecular consequence: missense variant.
Genome position (GRCh38, 1-based): chr14:75,038,405, T>C on the plus strand (A>G on the coding strand, the complement: MLH3 is on the minus strand). VCF-style: chr14-75038405-T-C. GRCh37 (hg19) VCF-style: chr14-75505108-T-C.
Other names: c.3578A>G, p.Gln1193Arg (NM_014381.3); short protein forms Q1193R.
Identifiers: ClinVar variation 952719 (VCV000952719.10), dbSNP rs1891571171, ClinGen allele CA390427308.

ClinVar aggregate classification (germline): Uncertain significance. Review status: criteria provided, multiple submitters, no conflicts (2 of 4 stars). 2 submissions from 2 submitters: Uncertain significance (2). Last evaluated 2024-06-24.

Conditions:
Endometrial carcinoma. Also called: Endometrial carcinoma, somatic. Identifiers: MedGen C0476089, MONDO:0002447, OMIM 608089, HP:0012114.
Colorectal cancer. Also called: Colorectal cancer, somatic; Malignant Colorectal Neoplasm. Identifiers: MedGen C0346629, MONDO:0005575, OMIM 114500.
Colorectal cancer, hereditary nonpolyposis, type 7. Identifiers: Orphanet 144, MedGen C1858380, MONDO:0013725, OMIM 614385.

Allele frequency attached by ClinVar (database versions not stated): gnomAD exomes below 0.00001; TOPMed 0.00001.
gnomAD v4.1: 2 of 1,610,066 alleles (0.00012%); highest among the groups gnomAD compares: Non-Finnish European, 0.00017%; no homozygotes.

Submissions (2):

Fulgent Genetics
Classification: Uncertain significance for Colorectal cancer; Endometrial carcinoma; Colorectal cancer, hereditary nonpolyposis, type 7. Last evaluated: 2024-06-24. Review status: criteria provided, single submitter. Criteria: ACMG Guidelines, 2015. Collection method: clinical testing. Allele origin: germline.

Labcorp Genetics (formerly Invitae), Labcorp
Classification: Uncertain significance for Colorectal cancer, hereditary nonpolyposis, type 7. Last evaluated: 2019-03-26. Review status: criteria provided, single submitter. Criteria: Invitae Variant Classification Sherloc (09022015). Collection method: clinical testing. Allele origin: germline.
Comment: In summary, the available evidence is currently insufficient to determine the role of this variant in disease. Therefore, it has been classified as a Variant of Uncertain Significance. Algorithms developed to predict the effect of missense changes on protein structure and function output the following: SIFT: "Tolerated"; PolyPhen-2: "Benign"; Align-GVGD: "Class C0". The arginine amino acid residue is found in multiple mammalian species, suggesting that this missense change does not adversely affect protein function. These predictions have not been confirmed by published functional studies and their clinical significance is uncertain. This variant has not been reported in the literature in individuals with MLH3-related conditions. This variant is not present in population databases (ExAC no frequency). This sequence change replaces glutamine with arginine at codon 1193 of the MLH3 protein (p.Gln1193Arg). The glutamine residue is moderately conserved and there is a small physicochemical difference between glutamine and arginine.